The following is an entry in ClinVar:

NM_000152.5(GAA):c.812C>A (p.Thr271Asn)

Gene: GAA (alpha glucosidase; plus strand). Cytogenetic location: 17q25.3.
Variant type: single nucleotide variant.
Coding change: c.812C>A on transcript NM_000152.5 (MANE Select); coding-DNA position 812, C replaced by A.
Protein change: p.Thr271Asn; replaces threonine 271 with asparagine.
Molecular consequence: missense variant.
Genome position (GRCh38, 1-based): chr17:80,107,676, C>A. VCF-style: chr17-80107676-C-A. GRCh37 (hg19) VCF-style: chr17-78081475-C-A.
Other names: c.812C>A, p.Thr271Asn (NM_001079803.3, NM_001079804.3, NM_001406741.1 and 1 more transcripts); short protein forms T271N.
Identifiers: ClinVar variation 4841585 (VCV004841585.1).

ClinVar aggregate classification (germline): Uncertain significance (1 of 4 stars; one submission).

Conditions:
Cardiovascular phenotype. Identifiers: MedGen CN230736.

Submission:

Ambry Genetics
Classification: Uncertain significance for Cardiovascular phenotype. Last evaluated: 2025-12-26. Review status: criteria provided, single submitter. Criteria: Ambry Variant Classification Scheme 2023. Collection method: clinical testing. Allele origin: germline.
Comment: The p.T271N variant (also known as c.812C>A), located in coding exon 3 of the GAA gene, results from a C to A substitution at nucleotide position 812. The threonine at codon 271 is replaced by asparagine, an amino acid with similar properties. This amino acid position is conserved. In addition, this alteration is predicted to be tolerated by in silico analysis. Based on the available evidence, the clinical significance of this variant remains unclear.